The following is an entry in ClinVar:

NM_001386298.1(CIC):c.4654G>C (p.Gly1552Arg)

Gene: CIC (capicua transcriptional repressor; plus strand). Cytogenetic location: 19q13.2.
Variant type: single nucleotide variant.
Coding change: c.4654G>C on transcript NM_001386298.1 (MANE Select); coding-DNA position 4654, G replaced by C.
Protein change: p.Gly1552Arg; replaces glycine 1552 with arginine.
Molecular consequence: missense variant.
Genome position (GRCh38, 1-based): chr19:42,290,695, G>C. VCF-style: chr19-42290695-G-C. GRCh37 (hg19) VCF-style: chr19-42794847-G-C.
Other names: c.4654G>C, p.Gly1552Arg (NM_001304815.2, NM_001379480.1, NM_001379482.1); c.1927G>C, p.Gly643Arg (NM_001379484.1, NM_001379485.1, NM_015125.5); short protein forms G1552R, G643R.
Identifiers: ClinVar variation 989363 (VCV000989363.4), dbSNP rs587778199, ClinGen allele CA406108366.

ClinVar aggregate classification (germline): Uncertain significance (1 of 4 stars; one submission).

Conditions:
CIC-related neurodevelopmental disorders.

gnomAD v4.1: 1 of 1,612,962 alleles (0.000062%); highest among the groups gnomAD compares: Non-Finnish European, 0.000085%; no homozygotes.

Submission:

Illumina Laboratory Services, Illumina
Classification: Uncertain significance for CIC-related neurodevelopmental disorders. Last evaluated: 2020-06-23. Review status: criteria provided, single submitter. Criteria: ICSLVariantClassificationCriteria RUGD 01 April 2020. Collection method: clinical testing. Allele origin: unknown.
Comment: The CIC c.1927G>C (p.Gly643Arg) variant, also referred to as c.4654G>C (p.Gly1552Arg), is a missense variant that has been reported in one study, in which it was found in a total of four individuals from the same family in a heterozygous state (Mahfouz et al. 2020). The variant was identified in three siblings with a neurodevelopmental disorder and parental testing showed that it was inherited from the father who had a borderline IQ. Control data are unavailable for this variant and it is absent from the Genome Aggregation Database in a region of good sequence coverage, so the variant is presumed to be rare. Based on the limited evidence, the p.Gly643Arg variant is classified as a variant of uncertain significance for CIC-related neurodevelopmental disorders.

Literature cited by the submitters: PubMed 32382396.